The following is an entry in ClinVar:

ClinVar aggregate classification (germline): Conflicting classifications of pathogenicity. Review status: criteria provided, conflicting classifications (1 of 4 stars). 7 submissions from 6 submitters: Uncertain significance (1); Benign (5); Likely benign (1). Last evaluated 2026-05-01.

Conditions:
Leukodystrophy, hypomyelinating, 6. Also called: TUBB4A-Associated Leukodystrophy; Hypomyelination with Atrophy of Basal Ganglia and Cerebellum (H-ABC); LEUKODYSTROPHY, HYPOMYELINATING, WITH ATROPHY OF THE BASAL GANGLIA AND CEREBELLUM. Identifiers: Orphanet 139441, MedGen C2676244, MONDO:0012905, OMIM 612438.
Torsion dystonia 4. Also called: DYT-TUBB4A (Autosomal Dominant Torsion Dystonia); DYSTONIA MUSCULORUM DEFORMANS 4. Identifiers: Orphanet 98805, MedGen C1851943, MONDO:0007493, OMIM 128101.

Allele frequency attached by ClinVar (database versions not stated): TOPMed 0.00098; ESP Exome Variant Server 0.00108; 1000 Genomes Project 30x 0.00109; 1000 Genomes Project 0.00140; gnomAD exomes 0.00201 and 0.00292; gnomAD 0.00261 and 0.00277; ExAC 0.00285.
gnomAD v4.1: 3,295 of 1,613,872 alleles (0.2%); highest among the groups gnomAD compares: Non-Finnish European, 0.16%; 15 homozygotes.

Submissions (7):

CeGaT Center for Human Genetics Tuebingen
Classification: Likely benign. Last evaluated: 2026-05-01. Review status: criteria provided, single submitter. Criteria: CeGaT Center For Human Genetics Tuebingen Variant Classification Criteria Version 2. Collection method: clinical testing. Allele origin: germline. Affected: yes. Observed: 13 variant alleles.
Comment: TUBB4A: BP4, BP7, BS1

Labcorp Genetics (formerly Invitae), Labcorp
Classification: Benign for Leukodystrophy, hypomyelinating, 6. Last evaluated: 2025-12-19. Review status: criteria provided, single submitter. Criteria: Invitae Variant Classification Sherloc (09022015). Collection method: clinical testing. Allele origin: germline.

Mayo Clinic Laboratories, Mayo Clinic
Classification: Benign. Last evaluated: 2024-11-19. Review status: criteria provided, single submitter. Criteria: ACMG Guidelines, 2015. Collection method: clinical testing. Allele origin: germline. Observed: 1 variant allele.
Comment: BS1, BS2, BP4, BP7

GeneDx
Classification: Benign. Last evaluated: 2020-08-17. Review status: criteria provided, single submitter. Criteria: GeneDx Variant Classification Process June 2021. Collection method: clinical testing. Allele origin: germline. Affected: yes.

Illumina Laboratory Services, Illumina
Classification: Benign for Leukodystrophy, hypomyelinating, 6. Last evaluated: 2018-01-13. Review status: criteria provided, single submitter. Criteria: ICSL Variant Classification Criteria 13 December 2019. Collection method: clinical testing. Allele origin: germline.
Comment: This variant was observed in the ICSL laboratory as part of a predisposition screen in an ostensibly healthy population. It had not been previously curated by ICSL or reported in the Human Gene Mutation Database (HGMD: prior to June 1st, 2018), and was therefore a candidate for classification through an automated scoring system. Utilizing variant allele frequency, disease prevalence and penetrance estimates, and inheritance mode, an automated score was calculated to assess if this variant is too frequent to cause the disease. Based on the score and internal cut-off values, a variant classified as benign is not then subjected to further curation. The score for this variant resulted in a classification of benign for this disease.

Illumina Laboratory Services, Illumina
Classification: Benign for Torsion dystonia 4. Last evaluated: 2018-01-13. Review status: criteria provided, single submitter. Criteria: ICSL Variant Classification Criteria 13 December 2019. Collection method: clinical testing. Allele origin: germline.
Comment: the same text as in the submission from Illumina Laboratory Services, Illumina above.

Genetic Services Laboratory, University of Chicago
Classification: Uncertain significance. Last evaluated: 2015-02-18. Review status: criteria provided, single submitter. Criteria: ACMG Guidelines, 2015. Collection method: clinical testing. Allele origin: germline.

NM_006087.4(TUBB4A):c.915G>A (p.Pro305=)

Gene: TUBB4A (tubulin beta 4A class IVa; minus strand). Cytogenetic location: 19p13.3.
Variant type: single nucleotide variant.
Coding change: c.915G>A on transcript NM_006087.4 (MANE Select); coding-DNA position 915, G replaced by A.
Protein change: p.Pro305=; no amino-acid change (proline 305 retained).
Molecular consequence: synonymous variant.
Genome position (GRCh38, 1-based): chr19:6,495,584, C>T on the plus strand (G>A on the coding strand, the complement: TUBB4A is on the minus strand). VCF-style: chr19-6495584-C-T. GRCh37 (hg19) VCF-style: chr19-6495595-C-T.
Other names: p.Pro305=; c.1068G>A, p.Pro356= (NM_001289123.2); c.1050G>A, p.Pro350= (NM_001289127.2); c.915G>A, p.Pro305= (NM_001289129.2); c.699G>A, p.Pro233= (NM_001289130.2, NM_001289131.2).
Identifiers: ClinVar variation 212502 (VCV000212502.52), dbSNP rs149903666, ClinGen allele CA206688.